The following is an entry in ClinVar:

NM_001080414.4(CCDC88C):c.162-2A>G

Gene: CCDC88C (coiled-coil and HOOK domain protein 88C; minus strand). Cytogenetic location: 14q32.12.
Variant type: single nucleotide variant.
Coding change: c.162-2A>G on transcript NM_001080414.4 (MANE Select); the canonical splice acceptor site of the intron before coding-DNA position 162, A replaced by G.
Molecular consequence: splice acceptor variant.
Genome position (GRCh38, 1-based): chr14:91,408,769, T>C on the plus strand (A>G on the coding strand, the complement: CCDC88C is on the minus strand). VCF-style: chr14-91408769-T-C. GRCh37 (hg19) VCF-style: chr14-91875113-T-C.
Identifiers: ClinVar variation 3644705 (VCV003644705.2).

ClinVar aggregate classification (germline): Likely pathogenic (1 of 4 stars; one submission).

gnomAD v4.1: 1 of 1,603,114 alleles (0.000062%); highest among the groups gnomAD compares: Admixed American, 0.0017%; no homozygotes.

Submission:

Labcorp Genetics (formerly Invitae), Labcorp
Classification: Likely pathogenic. Last evaluated: 2024-03-06. Review status: criteria provided, single submitter. Criteria: Invitae Variant Classification Sherloc (09022015). Collection method: clinical testing. Allele origin: germline.
Comment: This sequence change affects an acceptor splice site in intron 2 of the CCDC88C gene. It is expected to disrupt RNA splicing. Variants that disrupt the donor or acceptor splice site typically lead to a loss of protein function (PMID: 16199547), and loss-of-function variants in CCDC88C are known to be pathogenic (PMID: 23042809, 29225145). This variant is present in population databases (no rsID available, gnomAD 0.003%). This variant has not been reported in the literature in individuals affected with CCDC88C-related conditions. Algorithms developed to predict the effect of sequence changes on RNA splicing suggest that this variant may disrupt the consensus splice site. In summary, the currently available evidence indicates that the variant is pathogenic, but additional data are needed to prove that conclusively. Therefore, this variant has been classified as Likely Pathogenic.

Literature cited by the submitters: PubMed 16199547; PubMed 23042809; PubMed 29225145.